The following is an entry in ClinVar:

ClinVar aggregate classification (germline): Likely pathogenic. Review status: criteria provided, single submitter (1 of 4 stars). 2 submissions from 2 submitters: Likely pathogenic (1). 1 of the submissions does not count toward it. Last evaluated 2021-12-17.

Conditions:
Developmental delay with or without intellectual impairment or behavioral abnormalities. Identifiers: MedGen C5562004, MONDO:0859199, OMIM 619575.

Submissions (2):

Institute for Genomic Medicine, Nationwide Children's Hospital
Classification: Likely pathogenic for Developmental delay with or without intellectual impairment or behavioral abnormalities. Last evaluated: 2021-12-17. Review status: criteria provided, single submitter. Criteria: ACMG Guidelines, 2015. Collection method: research. Allele origin: maternal, unknown. Inheritance: Autosomal dominant inheritance. Affected: yes. Observed: 2 heterozygotes. Clinical features observed: Hypotonia (HP:0001252), Global developmental delay (HP:0001263), Macrocephaly (HP:0000256).
Comment: The c.2203delA variant is predicted to cause a frameshift and early stop in TAOK1 (p.Arg735AspfsTer6) which would truncate the encoded protein by >25% and likely be subject to nonsense-mediated decay. This variant is absent from public databases (gnomAD, TopMed), making it extremely rare. It is heterozygous in two affected children and their mildly-affected mother. Though most disease-causing variants in this gene occur de novo, multiple cases of inheritance from an affected parent have been reported (van Woerden et al, 2021). We interpret the variant as likely pathogenic.

OMIM
Classification: Pathogenic for DEVELOPMENTAL DELAY WITH INTELLECTUAL IMPAIRMENT AND BEHAVIORAL ABNORMALITIES. Last evaluated: 2025-10-28. Review status: no assertion criteria provided. Collection method: literature only. Allele origin: germline. Not counted in ClinVar's aggregate classification.

Literature cited by the submitters: PubMed 33565190 (cited by Institute for Genomic Medicine, Nationwide Children's Hospital); PubMed 35091509 (cited by OMIM).

NM_020791.4(TAOK1):c.2203del (p.Arg735fs)

Gene: TAOK1 (TAO kinase 1; plus strand). Cytogenetic location: 17q11.2.
Variant type: Deletion.
Coding change: c.2203del on transcript NM_020791.4 (MANE Select); coding-DNA position 2203, one base deleted (A; older notation c.2203delA).
Protein change: p.Arg735fs; shifts the reading frame from arginine 735.
Molecular consequence: frameshift variant.
Genome position (GRCh38, 1-based): chr17:29,530,461, A deleted. VCF-style (leftmost placement, unchanged base first): chr17-29530460-CA-C. GRCh37 (hg19) VCF-style: chr17-27857478-CA-C.
Other names: c.2203delA (NM_020791.4); c.1759del, p.Arg587fs (NM_025142.1); short protein forms R587fs, R735fs.
Identifiers: ClinVar variation 1333717 (VCV001333717.4), dbSNP rs2150772064, ClinGen allele CA2573054360.